The following is an entry in ClinVar:

NM_031935.3(HMCN1):c.11726C>T (p.Thr3909Ile)

Gene: HMCN1 (hemicentin 1; plus strand). Cytogenetic location: 1q31.1.
Variant type: single nucleotide variant.
Coding change: c.11726C>T on transcript NM_031935.3 (MANE Select); coding-DNA position 11726, C replaced by T.
Protein change: p.Thr3909Ile; replaces threonine 3909 with isoleucine.
Molecular consequence: missense variant.
Genome position (GRCh38, 1-based): chr1:186,117,501, C>T. VCF-style: chr1-186117501-C-T. GRCh37 (hg19) VCF-style: chr1-186086633-C-T.
Other names: short protein forms T3909I.
Identifiers: ClinVar variation 2075960 (VCV002075960.4), dbSNP rs753459609, ClinGen allele CA1294140.

ClinVar aggregate classification (germline): Uncertain significance (1 of 4 stars; one submission).

Allele frequency attached by ClinVar (database versions not stated): ExAC 0.00002; gnomAD exomes 0.00001.
gnomAD v4.1: 3 of 1,613,832 alleles (0.00019%); highest among the groups gnomAD compares: Admixed American, 0.005%; no homozygotes.

Submission:

Labcorp Genetics (formerly Invitae), Labcorp
Classification: Uncertain significance. Last evaluated: 2022-08-19. Review status: criteria provided, single submitter. Criteria: Invitae Variant Classification Sherloc (09022015). Collection method: clinical testing. Allele origin: germline.
Comment: In summary, the available evidence is currently insufficient to determine the role of this variant in disease. Therefore, it has been classified as a Variant of Uncertain Significance. Algorithms developed to predict the effect of missense changes on protein structure and function (SIFT, PolyPhen-2, Align-GVGD) all suggest that this variant is likely to be disruptive. This variant has not been reported in the literature in individuals affected with HMCN1-related conditions. This variant is present in population databases (rs753459609, gnomAD 0.009%). This sequence change replaces threonine, which is neutral and polar, with isoleucine, which is neutral and non-polar, at codon 3909 of the HMCN1 protein (p.Thr3909Ile).